The following is an entry in ClinVar:

ClinVar aggregate classification (germline): Uncertain significance (1 of 4 stars; one submission).

gnomAD v4.1: 6 of 1,614,070 alleles (0.00037%); highest among the groups gnomAD compares: Non-Finnish European, 0.00051%; no homozygotes.

Submission:

Labcorp Genetics (formerly Invitae), Labcorp
Classification: Uncertain significance. Last evaluated: 2025-03-10. Review status: criteria provided, single submitter. Criteria: Invitae Variant Classification Sherloc (09022015). Collection method: clinical testing. Allele origin: germline.
Comment: This sequence change replaces arginine, which is basic and polar, with serine, which is neutral and polar, at codon 1618 of the CDK5RAP2 protein (p.Arg1618Ser). This variant is present in population databases (no rsID available, gnomAD 0.0009%). This variant has not been reported in the literature in individuals affected with CDK5RAP2-related conditions. An algorithm developed to predict the effect of missense changes on protein structure and function outputs the following: PolyPhen-2: "Benign". The serine amino acid residue is found in multiple mammalian species, which suggests that this missense change does not adversely affect protein function. In summary, the available evidence is currently insufficient to determine the role of this variant in disease. Therefore, it has been classified as a Variant of Uncertain Significance.

NM_018249.6(CDK5RAP2):c.4854G>C (p.Arg1618Ser)

Gene: CDK5RAP2 (CDK5 regulatory subunit associated protein 2; minus strand). Cytogenetic location: 9q33.2.
Variant type: single nucleotide variant.
Coding change: c.4854G>C on transcript NM_018249.6 (MANE Select); coding-DNA position 4854, G replaced by C.
Protein change: p.Arg1618Ser; replaces arginine 1618 with serine.
Molecular consequence: missense variant. On other transcripts: non-coding transcript variant (5), intron variant (1).
Genome position (GRCh38, 1-based): chr9:120,407,121, C>G on the plus strand (G>C on the coding strand, the complement: CDK5RAP2 is on the minus strand). VCF-style: chr9-120407121-C-G. GRCh37 (hg19) VCF-style: chr9-123169399-C-G.
Other names: c.4164G>C, p.Arg1388Ser (NM_001272039.2); c.4755G>C, p.Arg1585Ser (NM_001410992.1); c.4758G>C, p.Arg1586Ser (NM_001410993.1); c.4851G>C, p.Arg1617Ser (NM_001410994.1); c.4726+1226G>C (NM_001011649.3); short protein forms R1585S, R1388S, R1586S, R1617S, R1618S.
Identifiers: ClinVar variation 4692418 (VCV004692418.1).